The following is an entry in ClinVar:

ClinVar aggregate classification (germline): Likely benign. Review status: criteria provided, multiple submitters, no conflicts (2 of 4 stars). 2 submissions from 2 submitters: Likely benign (2). Last evaluated 2025-10-27.

Conditions:
Tuberous sclerosis 2 (TSC2). Identifiers: Orphanet 805, MedGen C1860707, MONDO:0013199, OMIM 613254.

Allele frequency attached by ClinVar (database versions not stated): TOPMed below 0.00001.
gnomAD v4.1: 2 of 1,611,636 alleles (0.00012%); highest among the groups gnomAD compares: South Asian, 0.0011%; no homozygotes.

Submissions (2):

Labcorp Genetics (formerly Invitae), Labcorp
Classification: Likely benign for Tuberous sclerosis 2. Last evaluated: 2025-10-27. Review status: criteria provided, single submitter. Criteria: Invitae Variant Classification Sherloc (09022015). Collection method: clinical testing. Allele origin: germline.

Myriad Genetics, Inc.
Classification: Likely benign for Tuberous sclerosis 2. Last evaluated: 2025-06-04. Review status: criteria provided, single submitter. Criteria: Myriad Autosomal Dominant, Autosomal Recessive and X-Linked Classification Criteria (2023). Collection method: clinical testing. Allele origin: unknown.
Comment: This variant is considered likely benign. This variant is intronic and is not expected to impact mRNA splicing.

NM_000548.5(TSC2):c.4663-15C>T

Gene: TSC2 (TSC complex subunit 2; plus strand). Cytogenetic location: 16p13.3.
Variant type: single nucleotide variant.
Coding change: c.4663-15C>T on transcript NM_000548.5 (MANE Select); 15 bases into the intron before coding-DNA position 4663, C replaced by T.
Molecular consequence: intron variant.
Genome position (GRCh38, 1-based): chr16:2,086,178, C>T. VCF-style: chr16-2086178-C-T. GRCh37 (hg19) VCF-style: chr16-2136179-C-T.
Other names: c.4594-15C>T (NM_001114382.3); c.4534-15C>T (NM_021055.3, NM_001370405.1); c.4465-15C>T (NM_001363528.2); c.4531-15C>T (NM_001370404.1); c.4462-15C>T (NM_001077183.3); c.4354-15C>T (NM_001318827.2); c.3931-15C>T (NM_001318831.2); c.4318-15C>T (NM_001318829.2); and 1 more.
Identifiers: ClinVar variation 1605971 (VCV001605971.9), dbSNP rs2090761880, ClinGen allele CA2202022097.
Genomic context (GRCh38, chr16:2,086,178, plus strand): 5'-TGGGCACCCCCACCCTCTGCGGGGCAGGGCCCGGCCCGGGAGTGATGCCACCCTGCCTCT[C>T]CCCTCTCCCCACAGAGCAACAGCGAGCTCGCCATCCTGTCCAATGAGCATGGCTCCTACA-3'